The following is an entry in ClinVar:

NM_198834.3(ACACA):c.2233C>T (p.Arg745Trp)

Gene: ACACA (acetyl-CoA carboxylase alpha; minus strand). Cytogenetic location: 17q12.
Variant type: single nucleotide variant.
Coding change: c.2233C>T on transcript NM_198834.3 (MANE Select); coding-DNA position 2233, C replaced by T.
Protein change: p.Arg745Trp; replaces arginine 745 with tryptophan.
Molecular consequence: missense variant.
Genome position (GRCh38, 1-based): chr17:37,248,087, G>A on the plus strand (C>T on the coding strand, the complement: ACACA is on the minus strand). VCF-style: chr17-37248087-G-A. GRCh37 (hg19) VCF-style: chr17-35605011-G-A.
Other names: c.2122C>T (NM_198839.1); c.2122C>T, p.Arg708Trp (NM_198836.3, NM_198839.3); c.1948C>T, p.Arg650Trp (NM_198837.2); c.1888C>T, p.Arg630Trp (NM_198838.2); short protein forms R630W, R650W, R708W, R745W.
Identifiers: ClinVar variation 2968978 (VCV002968978.4), dbSNP rs752457148, ClinGen allele CA8515628.
Genomic context (GRCh38, chr17:37,248,087, plus strand): 5'-TCATATACGTAGTATAACTGCTGCCATCATAGGACAAGAGCAGTCCACCGTCACTCAGCC[G>A]ATGTACATCTACTTCTACACATGAGCCATTCATGATCACCACATAGGAGTTGGGGGACTG-3'
Protein context (NP_942131.1, residues 735-755): NGSCVEVDVH[Arg745Trp]LSDGGLLLSY

ClinVar aggregate classification (germline): Uncertain significance. Review status: criteria provided, multiple submitters, no conflicts (2 of 4 stars). 2 submissions from 2 submitters: Uncertain significance (2). Last evaluated 2024-09-30.

Allele frequency attached by ClinVar (database versions not stated): gnomAD 0.00001; gnomAD exomes 0.00001; TOPMed 0.00001; ExAC 0.00002.

Submissions (2):

Ambry Genetics
Classification: Uncertain significance. Last evaluated: 2024-09-30. Review status: criteria provided, single submitter. Criteria: Ambry Variant Classification Scheme 2023. Collection method: clinical testing. Allele origin: germline.

Labcorp Genetics (formerly Invitae), Labcorp
Classification: Uncertain significance. Last evaluated: 2023-10-18. Review status: criteria provided, single submitter. Criteria: Invitae Variant Classification Sherloc (09022015). Collection method: clinical testing. Allele origin: germline.
Comment: This sequence change replaces arginine, which is basic and polar, with tryptophan, which is neutral and slightly polar, at codon 708 of the ACACA protein (p.Arg708Trp). This variant is present in population databases (rs752457148, gnomAD 0.006%). This variant has not been reported in the literature in individuals affected with ACACA-related conditions. An algorithm developed to predict the effect of missense changes on protein structure and function (PolyPhen-2) suggests that this variant is likely to be disruptive. In summary, the available evidence is currently insufficient to determine the role of this variant in disease. Therefore, it has been classified as a Variant of Uncertain Significance.